The following is an entry in ClinVar:

NM_173500.4(TTBK2):c.2107G>A (p.Glu703Lys)

Gene: TTBK2 (tau tubulin kinase 2; minus strand). Cytogenetic location: 15q15.2.
Variant type: single nucleotide variant.
Coding change: c.2107G>A on transcript NM_173500.4 (MANE Select); coding-DNA position 2107, G replaced by A.
Protein change: p.Glu703Lys; replaces glutamic acid 703 with lysine.
Molecular consequence: missense variant.
Genome position (GRCh38, 1-based): chr15:42,753,139, C>T on the plus strand (G>A on the coding strand, the complement: TTBK2 is on the minus strand). VCF-style: chr15-42753139-C-T. GRCh37 (hg19) VCF-style: chr15-43045337-C-T.
Other names: short protein forms E703K.
Identifiers: ClinVar variation 1709189 (VCV001709189.2), dbSNP rs2506205199, ClinGen allele CA392075959.

ClinVar aggregate classification (germline): Uncertain significance (1 of 4 stars; one submission).

Conditions:
Spinocerebellar ataxia type 11 (SCA11). Identifiers: Orphanet 98767, MedGen C1858351, MONDO:0011464, OMIM 604432.

Submission:

MGZ Medical Genetics Center
Classification: Uncertain significance for Spinocerebellar ataxia type 11. Last evaluated: 2022-05-27. Review status: criteria provided, single submitter. Criteria: ACMG Guidelines, 2015. Collection method: clinical testing. Allele origin: germline. Affected: yes. Observed: 1 variant allele.
Comment: ACMG criteria applied: PS2_SUP, PM2_SUP